The following is an entry in ClinVar:

NM_004369.4(COL6A3):c.9082C>T (p.His3028Tyr)

Gene: COL6A3 (collagen type VI alpha 3 chain; minus strand). Cytogenetic location: 2q37.3.
Variant type: single nucleotide variant.
Coding change: c.9082C>T on transcript NM_004369.4 (MANE Select); coding-DNA position 9082, C replaced by T.
Protein change: p.His3028Tyr; replaces histidine 3028 with tyrosine.
Molecular consequence: missense variant.
Genome position (GRCh38, 1-based): chr2:237,334,773, G>A on the plus strand (C>T on the coding strand, the complement: COL6A3 is on the minus strand). VCF-style: chr2-237334773-G-A. GRCh37 (hg19) VCF-style: chr2-238243416-G-A.
Other names: c.7261C>T, p.His2421Tyr (NM_057166.5); c.8464C>T, p.His2822Tyr (NM_057167.4); short protein forms H2421Y, H2822Y, H3028Y.
Identifiers: ClinVar variation 999696 (VCV000999696.11), dbSNP rs745651769, ClinGen allele CA2187364.

ClinVar aggregate classification (germline): Uncertain significance. Review status: criteria provided, multiple submitters, no conflicts (2 of 4 stars). 2 submissions from 2 submitters: Uncertain significance (2). Last evaluated 2022-07-28.

Conditions:
Bethlem myopathy 1A. Also called: Bethlem Muscular Dystrophy; MYOPATHY, BENIGN CONGENITAL, WITH CONTRACTURES; Bethlem myopathy 1. Identifiers: Orphanet 610, MedGen CN029274, MONDO:0024530, OMIM 158810.

Allele frequency attached by ClinVar (database versions not stated): gnomAD exomes 0.00001 and 0.00002; TOPMed 0.00002; ExAC 0.00001; gnomAD 0.00001.

Submissions (2):

Revvity Omics, Revvity
Classification: Uncertain significance. Last evaluated: 2022-07-28. Review status: criteria provided, single submitter. Criteria: ACMG Guidelines, 2015. Collection method: clinical testing. Allele origin: germline.

Labcorp Genetics (formerly Invitae), Labcorp
Classification: Uncertain significance for Bethlem myopathy 1A. Last evaluated: 2020-05-20. Review status: criteria provided, single submitter. Criteria: Invitae Variant Classification Sherloc (09022015). Collection method: clinical testing. Allele origin: germline.
Comment: This variant is present in population databases (rs745651769, ExAC 0.001%). In summary, the available evidence is currently insufficient to determine the role of this variant in disease. Therefore, it has been classified as a Variant of Uncertain Significance. Experimental studies and prediction algorithms are not available or were not evaluated, and the functional significance of this variant is currently unknown. This variant has not been reported in the literature in individuals with COL6A3-related conditions. This sequence change replaces histidine with tyrosine at codon 3028 of the COL6A3 protein (p.His3028Tyr). The histidine residue is moderately conserved and there is a moderate physicochemical difference between histidine and tyrosine.